The following is an entry in ClinVar:

ClinVar aggregate classification (germline): Likely pathogenic. Review status: criteria provided, single submitter (1 of 4 stars). 2 submissions from 2 submitters: Likely pathogenic (1). 1 of the submissions does not count toward it. Last evaluated 2025-10-04.

Conditions:
Charcot-Marie-Tooth disease type 4. Also called: Charcot-Marie-Tooth, Type 4; Charcot-Marie-Tooth disease, type IV. Identifiers: Orphanet 64749, MedGen C4082197, MONDO:0018995.
Charcot-Marie-Tooth disease. Also called: Charcot-Marie-Tooth Neuropathy; Charcot-Marie-Tooth Hereditary Neuropathy. Identifiers: Orphanet 166, MedGen C0007959, MONDO:0015626.

gnomAD v4.1: 2 of 1,614,150 alleles (0.00012%); highest among the groups gnomAD compares: Non-Finnish European, 0.00017%; no homozygotes.

Submissions (2):

Labcorp Genetics (formerly Invitae), Labcorp
Classification: Likely pathogenic for Charcot-Marie-Tooth disease type 4. Last evaluated: 2025-10-04. Review status: criteria provided, single submitter. Criteria: Invitae Variant Classification Sherloc (09022015). Collection method: clinical testing. Allele origin: germline.
Comment: This sequence change replaces asparagine, which is neutral and polar, with isoleucine, which is neutral and non-polar, at codon 881 of the SH3TC2 protein (p.Asn881Ile). This variant is not present in population databases (gnomAD no frequency). This variant has not been reported in the literature in individuals affected with SH3TC2-related conditions. ClinVar contains an entry for this variant (Variation ID: 21695). Invitae Evidence Modeling of protein sequence and biophysical properties (such as structural, functional, and spatial information, amino acid conservation, physicochemical variation, residue mobility, and thermodynamic stability) indicates that this missense variant is expected to disrupt SH3TC2 protein function with a positive predictive value of 95%. This variant disrupts the p.Asn881 amino acid residue in SH3TC2. Other variant(s) that disrupt this residue have been determined to be pathogenic (PMID: 16924012, 20028792, 20826437, 21291453, 23553667). This suggests that this residue is clinically significant, and that variants that disrupt this residue are likely to be disease-causing. In summary, the currently available evidence indicates that the variant is pathogenic, but additional data are needed to prove that conclusively. Therefore, this variant has been classified as Likely Pathogenic.

Inherited Neuropathy Consortium
Classification: Uncertain significance for Charcot-Marie-Tooth disease. Review status: no assertion criteria provided. Collection method: literature only. Allele origin: germline. Affected: yes. Not counted in ClinVar's aggregate classification.

Literature cited by the submitters: PubMed 16924012 (cited by Labcorp Genetics (formerly Invitae), Labcorp); PubMed 20028792 (cited by Labcorp Genetics (formerly Invitae), Labcorp); PubMed 20826437 (cited by Labcorp Genetics (formerly Invitae), Labcorp); PubMed 21291453 (cited by Labcorp Genetics (formerly Invitae), Labcorp and Inherited Neuropathy Consortium); PubMed 23553667 (cited by Labcorp Genetics (formerly Invitae), Labcorp).

NM_024577.4(SH3TC2):c.2642A>T (p.Asn881Ile)

Gene: SH3TC2 (SH3 domain and tetratricopeptide repeats 2; minus strand). Cytogenetic location: 5q32.
Variant type: single nucleotide variant.
Coding change: c.2642A>T on transcript NM_024577.4 (MANE Select); coding-DNA position 2642, A replaced by T.
Protein change: p.Asn881Ile; replaces asparagine 881 with isoleucine.
Molecular consequence: missense variant.
Genome position (GRCh38, 1-based): chr5:149,027,090, T>A on the plus strand (A>T on the coding strand, the complement: SH3TC2 is on the minus strand). VCF-style: chr5-149027090-T-A. GRCh37 (hg19) VCF-style: chr5-148406653-T-A.
Other names: short protein forms N881I.
Identifiers: ClinVar variation 21695 (VCV000021695.3), dbSNP rs80338930, ClinGen allele CA342380.